The following is an entry in ClinVar:

ClinVar aggregate classification (germline): Pathogenic (1 of 4 stars; one submission).

Conditions:
Fanconi anemia (FA). Also called: Fanconi's anemia. Identifiers: Orphanet 84, MedGen C0015625, MeSH D005199, MONDO:0019391.

Submission:

Labcorp Genetics (formerly Invitae), Labcorp
Classification: Pathogenic for Fanconi anemia. Last evaluated: 2023-11-01. Review status: criteria provided, single submitter. Criteria: Invitae Variant Classification Sherloc (09022015). Collection method: clinical testing. Allele origin: unknown.
Comment: This variant is a gross deletion of the genomic region encompassing exon(s) 1-28 of the FANCA gene, which includes the initiator codon. This deletion extends beyond the assayed region for this gene and therefore may encompass additional genes. It is expected to result in an absent or disrupted protein product. Loss-of-function variants in FANCA are known to be pathogenic (PMID: 19367192). A similar copy number variant has been observed in individual(s) with Fanconi anemia (PMID: 30792206). For these reasons, this variant has been classified as Pathogenic.

Literature cited by the submitters: PubMed 19367192; PubMed 30792206.

NC_000016.9:g.(?_89831215)_(89883024_?)del

Gene: FANCA (FA complementation group A; minus strand). Cytogenetic location: 16q24.3.
Variant type: Deletion.
Identifiers: ClinVar variation 3243236 (VCV003243236.1).